The following is an entry in ClinVar:

NM_000059.4(BRCA2):c.4204A>C (p.Asn1402His)

Gene: BRCA2 (BRCA2 DNA repair associated; plus strand). Cytogenetic location: 13q13.1.
Variant type: single nucleotide variant.
Coding change: c.4204A>C on transcript NM_000059.4 (MANE Select); coding-DNA position 4204, A replaced by C.
Protein change: p.Asn1402His; replaces asparagine 1402 with histidine.
Molecular consequence: missense variant.
Genome position (GRCh38, 1-based): chr13:32,338,559, A>C. VCF-style: chr13-32338559-A-C. GRCh37 (hg19) VCF-style: chr13-32912696-A-C.
Other names: short protein forms N1402H.
Identifiers: ClinVar variation 188090 (VCV000188090.23), dbSNP rs786204062, ClinGen allele CA019715.

ClinVar aggregate classification (germline): Conflicting classifications of pathogenicity. Review status: criteria provided, conflicting classifications (1 of 4 stars). 5 submissions from 5 submitters: Uncertain significance (3); Likely benign (2). Last evaluated 2024-10-13.

Conditions:
Hereditary cancer-predisposing syndrome. Also called: Neoplastic Syndromes, Hereditary; Tumor predisposition; Hereditary Cancer Syndrome; Hereditary neoplastic syndrome. Identifiers: Orphanet 140162, MedGen C0027672, MeSH D009386, MONDO:0015356.
Hereditary breast ovarian cancer syndrome. Also called: Hereditary breast and ovarian cancer; Hereditary breast and/or ovarian cancer syndrome; BRCA1- and BRCA2-Associated Hereditary Breast and Ovarian Cancer; Hereditary breast and ovarian cancer syndrome (HBOC); Hereditary breast and ovarian cancer syndrome; Breast and ovarian cancer. Identifiers: Orphanet 145, MedGen C0677776, MeSH D061325, MONDO:0003582. Disease mechanism: loss of function.

Allele frequency attached by ClinVar (database versions not stated): gnomAD exomes below 0.00001; TOPMed below 0.00001.
gnomAD v4.1: 1 of 1,597,476 alleles (0.000063%); highest among the groups gnomAD compares: Admixed American, 0.0018%; no homozygotes.

Submissions (5):

Labcorp Genetics (formerly Invitae), Labcorp
Classification: Uncertain significance for Hereditary breast ovarian cancer syndrome. Last evaluated: 2024-10-13. Review status: criteria provided, single submitter. Criteria: Invitae Variant Classification Sherloc (09022015). Collection method: clinical testing. Allele origin: germline.
Comment: This sequence change replaces asparagine, which is neutral and polar, with histidine, which is basic and polar, at codon 1402 of the BRCA2 protein (p.Asn1402His). This variant is present in population databases (rs786204062, gnomAD 0.003%). This variant has not been reported in the literature in individuals affected with BRCA2-related conditions. ClinVar contains an entry for this variant (Variation ID: 188090). Invitae Evidence Modeling of protein sequence and biophysical properties (such as structural, functional, and spatial information, amino acid conservation, physicochemical variation, residue mobility, and thermodynamic stability) indicates that this missense variant is not expected to disrupt BRCA2 protein function with a negative predictive value of 95%. In summary, the available evidence is currently insufficient to determine the role of this variant in disease. Therefore, it has been classified as a Variant of Uncertain Significance.

Ambry Genetics
Classification: Likely benign for Hereditary cancer-predisposing syndrome. Last evaluated: 2024-10-10. Review status: criteria provided, single submitter. Criteria: Ambry Variant Classification Scheme 2023. Collection method: clinical testing. Allele origin: germline.

Color Diagnostics, LLC DBA Color Health
Classification: Uncertain significance for Hereditary cancer-predisposing syndrome. Last evaluated: 2023-12-04. Review status: criteria provided, single submitter. Criteria: ACMG Guidelines, 2015. Collection method: clinical testing. Allele origin: germline.
Comment: This missense variant replaces asparagine with histidine at codon 1402 of the BRCA2 protein. Computational prediction suggests that this variant may not impact protein structure and function (internally defined REVEL score threshold <= 0.5, PMID: 27666373). To our knowledge, functional studies have not been reported for this variant. This variant has not been reported in individuals affected with BRCA2-related disorders in the literature. This variant has been identified in 1/236746 chromosomes in the general population by the Genome Aggregation Database (gnomAD). The available evidence is insufficient to determine the role of this variant in disease conclusively. Therefore, this variant is classified as a Variant of Uncertain Significance.

University of Washington Department of Laboratory Medicine, University of Washington
Classification: Likely benign for Hereditary cancer-predisposing syndrome. Last evaluated: 2023-03-23. Review status: criteria provided, single submitter. Criteria: Dines et al. (Genet Med. 2020). Collection method: curation. Allele origin: germline.
Comment: Missense variant in a coldspot region where missense variants are very unlikely to be pathogenic (PMID:31911673).

BRCA2 exon 11 coldspot. Reclassification based on statistical prior probability.

Quest Diagnostics Nichols Institute San Juan Capistrano
Classification: Uncertain significance. Last evaluated: 2019-12-11. Review status: criteria provided, single submitter. Criteria: Quest Diagnostics criteria. Collection method: clinical testing. Allele origin: unknown.